The following is an entry in ClinVar:

ClinVar aggregate classification (germline): Conflicting classifications of pathogenicity. Review status: criteria provided, conflicting classifications (1 of 4 stars). 6 submissions from 6 submitters: Likely pathogenic (1); Uncertain significance (5). Last evaluated 2026-03-05.

Conditions:
ABCC6-related disorder. Also called: ABCC6-related condition.
Arterial calcification, generalized, of infancy, 2. Identifiers: Orphanet 51608, MedGen C3276161, MONDO:0013768, OMIM 614473.
Autosomal recessive inherited pseudoxanthoma elasticum (PXE). Identifiers: Orphanet 758, MedGen CN032334, MONDO:0009925, OMIM 264800.
Pseudoxanthoma elasticum, forme fruste. Also called: Pseudoxanthoma Elasticum, Incomplete; PSEUDOXANTHOMA ELASTICUM, HETEROZYGOUS. Identifiers: Orphanet 758, MedGen C1867450, MONDO:0008333, OMIM 177850.

Allele frequency attached by ClinVar (database versions not stated): gnomAD exomes 0.00014; TOPMed 0.00027; gnomAD 0.00028 and 0.00029; 1000 Genomes Project 30x 0.00031; 1000 Genomes Project 0.00040.
gnomAD v4.1: 401 of 1,556,550 alleles (0.026%); highest among the groups gnomAD compares: African/African-American, 0.061%; 2 homozygotes.

Submissions (6):

PreventionGenetics, part of Exact Sciences
Classification: Uncertain significance for ABCC6-related condition. Last evaluated: 2026-03-05. Review status: criteria provided, single submitter. Criteria: ACMG Guidelines, 2015. Collection method: clinical testing. Allele origin: germline.
Comment: The ABCC6 c.3892G>A variant is predicted to result in the amino acid substitution p.Val1298Ile. This variant has been reported in an individual with vascular anomalies (Mattassi et al. 2018. PubMed ID: 28655553) and in a cohort of pseudoxanthoma elasticum patients (Boraldi et al. 2021. PubMed ID: 34205333); however, detailed clinical information of these individuals was not provided. This variant is reported in 0.11% of alleles in individuals of African descent in gnomAD v2. Furthermore, in gnomAD v4 (available only on GRCh38), this variant is reported in 0.03% of alleles in a subpopulation, including 2 homozygotes. This population data is not consistent with this variant being a primary cause of disease. At this time, the clinical significance of this variant is uncertain due to the absence of conclusive functional and genetic evidence.

CeGaT Center for Human Genetics Tuebingen
Classification: Uncertain significance. Last evaluated: 2026-01-01. Review status: criteria provided, single submitter. Criteria: CeGaT Center For Human Genetics Tuebingen Variant Classification Criteria Version 2. Collection method: clinical testing. Allele origin: germline. Affected: yes. Observed: 1 variant allele.
Comment: ABCC6: PM5

Blueprint Genetics
Classification: Uncertain significance. Last evaluated: 2024-11-21. Review status: criteria provided, single submitter. Criteria: ACMG Guidelines, 2015. Collection method: clinical testing. Allele origin: germline.

Fulgent Genetics
Classification: Uncertain significance for Pseudoxanthoma elasticum, forme fruste; Autosomal recessive inherited pseudoxanthoma elasticum; Arterial calcification, generalized, of infancy, 2. Last evaluated: 2024-04-17. Review status: criteria provided, single submitter. Criteria: ACMG Guidelines, 2015. Collection method: clinical testing. Allele origin: germline.

Labcorp Genetics (formerly Invitae), Labcorp
Classification: Uncertain significance. Last evaluated: 2022-09-07. Review status: criteria provided, single submitter. Criteria: Invitae Variant Classification Sherloc (09022015). Collection method: clinical testing. Allele origin: germline.
Comment: This sequence change replaces valine, which is neutral and non-polar, with isoleucine, which is neutral and non-polar, at codon 1298 of the ABCC6 protein (p.Val1298Ile). This variant is present in population databases (rs63751325, gnomAD 0.1%). This missense change has been observed in individual(s) with vascular anomalies (PMID: 28655553). ClinVar contains an entry for this variant (Variation ID: 930520). Algorithms developed to predict the effect of missense changes on protein structure and function are either unavailable or do not agree on the potential impact of this missense change (SIFT: "Deleterious"; PolyPhen-2: "Possibly Damaging"; Align-GVGD: "Class C0"). In summary, the available evidence is currently insufficient to determine the role of this variant in disease. Therefore, it has been classified as a Variant of Uncertain Significance.

Centre for Mendelian Genomics, University Medical Centre Ljubljana
Classification: Likely pathogenic for Arterial calcification, generalized, of infancy, 2. Last evaluated: 2019-08-23. Review status: criteria provided, single submitter. Criteria: ACMG Guidelines, 2015. Collection method: clinical testing. Allele origin: unknown. Affected: yes.
Comment: This variant was classified as: Likely pathogenic. The following ACMG criteria were applied in classifying this variant: PM5,PM1,PP2,PP3,PM2.

Literature cited by the submitters: PubMed 28655553 (cited by Labcorp Genetics (formerly Invitae), Labcorp).

NM_001171.6(ABCC6):c.3892G>A (p.Val1298Ile)

Gene: ABCC6 (ATP binding cassette subfamily C member 6; minus strand). Cytogenetic location: 16p13.11.
Variant type: single nucleotide variant.
Coding change: c.3892G>A on transcript NM_001171.6 (MANE Select); coding-DNA position 3892, G replaced by A.
Protein change: p.Val1298Ile; replaces valine 1298 with isoleucine.
Molecular consequence: missense variant. On other transcripts: non-coding transcript variant (1).
Genome position (GRCh38, 1-based): chr16:16,155,022, C>T on the plus strand (G>A on the coding strand, the complement: ABCC6 is on the minus strand). VCF-style: chr16-16155022-C-T. GRCh37 (hg19) VCF-style: chr16-16248879-C-T.
Other names: c.3550G>A, p.Val1184Ile (NM_001351800.1); short protein forms V1184I, V1298I.
Identifiers: ClinVar variation 930520 (VCV000930520.13), dbSNP rs63751325, ClinGen allele CA7925377.